The following is an entry in ClinVar:

NM_007294.4(BRCA1):c.5134T>A (p.Trp1712Arg)

Gene: BRCA1 (BRCA1 DNA repair associated; minus strand). Cytogenetic location: 17q21.31.
Variant type: single nucleotide variant.
Coding change: c.5134T>A on transcript NM_007294.4 (MANE Select); coding-DNA position 5134, T replaced by A.
Protein change: p.Trp1712Arg; replaces tryptophan 1712 with arginine.
Molecular consequence: missense variant. On other transcripts: non-coding transcript variant (1).
Genome position (GRCh38, 1-based): chr17:43,063,892, A>T on the plus strand (T>A on the coding strand, the complement: BRCA1 is on the minus strand). VCF-style: chr17-43063892-A-T. GRCh37 (hg19) VCF-style: chr17-41215909-A-T.
Other names: c.4921T>A, p.Trp1641Arg (NM_001407571.1, NM_001407894.1, NM_001407895.1 and 12 more transcripts); c.5200T>A, p.Trp1734Arg (NM_001407581.1, NM_001407582.1); c.5197T>A, p.Trp1733Arg (NM_001407583.1, NM_001407585.1, NM_001407587.1 and 1 more transcripts); c.5194T>A, p.Trp1732Arg (NM_001407590.1, NM_001407591.1); c.5134T>A, p.Trp1712Arg (NM_001407593.1, NM_001407594.1, NM_001407596.1 and 7 more transcripts); c.5131T>A, p.Trp1711Arg (NM_001407614.1, NM_001407615.1, NM_001407616.1 and 17 more transcripts); c.5128T>A, p.Trp1710Arg (NM_001407633.1, NM_001407634.1, NM_001407635.1 and 14 more transcripts); c.5053T>A, p.Trp1685Arg (NM_001407656.1, NM_001407657.1, NM_001407658.1); and 71 more; short protein forms W1712R, W1733R, W608R, W1665R, W1416R, W1583R, W1599R, W1663R.
Identifiers: ClinVar variation 867684 (VCV000867684.3), dbSNP rs2051913334, ClinGen allele CA10591275.
Genomic context (GRCh38, chr17:43,063,892, plus strand): 5'-GAGGTGTTAAAGGGAGGAGGGGAGAAATAGTATTATACTTACAGAAATAGCTAACTACCC[A>T]TTTTCCTCCCGCAATTCCTAGAAAATATTTCAGTGTCCGTTCACACACAAACTCAGCATC-3'
Protein context (NP_009225.1, residues 1702-1722): KYFLGIAGGK[Trp1712Arg]VVSYFWVTQS

Conditions:
Breast-ovarian cancer, familial, susceptibility to, 1 (BROVCA1). Also called: BRCA1 Hereditary Breast and Ovarian Cancer; OVARIAN CANCER, SUSCEPTIBILITY TO. Identifiers: Orphanet 145, MedGen C2676676, MONDO:0011450, OMIM 604370. Disease mechanism: loss of function.

Submission:

Brotman Baty Institute, University of Washington
No classification provided (evidence only). Condition: Breast-ovarian cancer, familial 1. Review status: no classification provided. Collection method: in vitro. Allele origin: not applicable. Functional consequence: functionally_normal.
ClinVar note: "not provided" was previously submitted as the classification for the variant. However, the classification appeared to be based only on an observation of functional data so it was converted to no classification on 2025-07-30.